The following is an entry in ClinVar:

ClinVar aggregate classification (germline): Likely benign (1 of 4 stars; one submission).

Allele frequency attached by ClinVar (database versions not stated): gnomAD 0.00909; 1000 Genomes Project 0.00919; TOPMed 0.00984; 1000 Genomes Project 30x 0.01062.
gnomAD v4.1: 2,555 of 1,390,876 alleles (0.18%); highest among the groups gnomAD compares: African/African-American, 3.3%; 40 homozygotes.

Submission:

GeneDx
Classification: Likely benign. Last evaluated: 2018-06-12. Review status: criteria provided, single submitter. Criteria: GeneDx Variant Classification (06012015). Collection method: clinical testing. Allele origin: germline. Affected: yes.
Comment: This variant is considered likely benign or benign based on one or more of the following criteria: it is a conservative change, it occurs at a poorly conserved position in the protein, it is predicted to be benign by multiple in silico algorithms, and/or has population frequency not consistent with disease.

NM_005359.6(SMAD4):c.1309-67G>C

Gene: SMAD4 (SMAD family member 4; plus strand). Cytogenetic location: 18q21.2.
Variant type: single nucleotide variant.
Coding change: c.1309-67G>C on transcript NM_005359.6 (MANE Select); 67 bases into the intron before coding-DNA position 1309, G replaced by C.
Molecular consequence: intron variant.
Genome position (GRCh38, 1-based): chr18:51,076,571, G>C. VCF-style: chr18-51076571-G-C. GRCh37 (hg19) VCF-style: chr18-48602941-G-C.
Identifiers: ClinVar variation 675730 (VCV000675730.1), dbSNP rs79051374, ClinGen allele CA300087444.